The following is an entry in ClinVar:

ClinVar aggregate classification (germline): Uncertain significance. Review status: criteria provided, multiple submitters, no conflicts (2 of 4 stars). 2 submissions from 2 submitters: Uncertain significance (2). Last evaluated 2024-09-05.

gnomAD v4.1: 12 of 1,613,080 alleles (0.00074%); highest among the groups gnomAD compares: Middle Eastern, 0.05%; no homozygotes.

Submissions (2):

Labcorp Genetics (formerly Invitae), Labcorp
Classification: Uncertain significance. Last evaluated: 2024-09-05. Review status: criteria provided, single submitter. Criteria: Invitae Variant Classification Sherloc (09022015). Collection method: clinical testing. Allele origin: germline.
Comment: This sequence change replaces aspartic acid, which is acidic and polar, with glutamic acid, which is acidic and polar, at codon 505 of the SLITRK6 protein (p.Asp505Glu). This variant is present in population databases (no rsID available, gnomAD 0.0009%). This variant has not been reported in the literature in individuals affected with SLITRK6-related conditions. An algorithm developed to predict the effect of missense changes on protein structure and function outputs the following: PolyPhen-2: "Benign". The glutamic acid amino acid residue is found in multiple mammalian species, which suggests that this missense change does not adversely affect protein function. In summary, the available evidence is currently insufficient to determine the role of this variant in disease. Therefore, it has been classified as a Variant of Uncertain Significance.

Blueprint Genetics
Classification: Uncertain significance. Last evaluated: 2023-09-15. Review status: criteria provided, single submitter. Criteria: ACMG Guidelines, 2015. Collection method: clinical testing. Allele origin: germline.

NM_032229.3(SLITRK6):c.1515T>A (p.Asp505Glu)

Gene: SLITRK6 (SLIT and NTRK like family member 6; minus strand). Cytogenetic location: 13q31.1.
Variant type: single nucleotide variant.
Coding change: c.1515T>A on transcript NM_032229.3 (MANE Select); coding-DNA position 1515, T replaced by A.
Protein change: p.Asp505Glu; replaces aspartic acid 505 with glutamic acid.
Molecular consequence: missense variant.
Genome position (GRCh38, 1-based): chr13:85,794,994, A>T on the plus strand (T>A on the coding strand, the complement: SLITRK6 is on the minus strand). VCF-style: chr13-85794994-A-T. GRCh37 (hg19) VCF-style: chr13-86369129-A-T.
Other names: short protein forms D505E.
Identifiers: ClinVar variation 2965164 (VCV002965164.3), dbSNP rs1459087189, ClinGen allele CA388375495.